The following is an entry in ClinVar:

ClinVar aggregate classification (germline): Uncertain significance. Review status: criteria provided, multiple submitters, no conflicts (2 of 4 stars). 2 submissions from 2 submitters: Uncertain significance (2). Last evaluated 2025-04-04.

Conditions:
Inborn genetic diseases. Identifiers: MedGen C0950123, MeSH D030342.

Allele frequency attached by ClinVar (database versions not stated): ExAC 0.00007; gnomAD exomes 0.00012; 1000 Genomes Project 30x 0.00016; 1000 Genomes Project 0.00020; ESP Exome Variant Server 0.00023.
gnomAD v4.1: 193 of 1,614,184 alleles (0.012%); highest among the groups gnomAD compares: Non-Finnish European, 0.015%; no homozygotes.

Submissions (2):

Ambry Genetics
Classification: Uncertain significance for Inborn genetic diseases. Last evaluated: 2025-04-04. Review status: criteria provided, single submitter. Criteria: Ambry Variant Classification Scheme 2023. Collection method: clinical testing. Allele origin: germline.

CeGaT Center for Human Genetics Tuebingen
Classification: Uncertain significance. Last evaluated: 2024-07-01. Review status: criteria provided, single submitter. Criteria: CeGaT Center For Human Genetics Tuebingen Variant Classification Criteria Version 2. Collection method: clinical testing. Allele origin: germline. Affected: yes. Observed: 2 variant alleles.
Comment: TDRD7: PM2, BP4

NM_014290.3(TDRD7):c.1305G>T (p.Leu435Phe)

Gene: TDRD7 (tudor domain containing 7; plus strand). Cytogenetic location: 9q22.33.
Variant type: single nucleotide variant.
Coding change: c.1305G>T on transcript NM_014290.3 (MANE Select); coding-DNA position 1305, G replaced by T.
Protein change: p.Leu435Phe; replaces leucine 435 with phenylalanine.
Molecular consequence: missense variant.
Genome position (GRCh38, 1-based): chr9:97,460,627, G>T. VCF-style: chr9-97460627-G-T. GRCh37 (hg19) VCF-style: chr9-100222909-G-T.
Other names: c.1083G>T, p.Leu361Phe (NM_001302884.2); short protein forms L361F, L435F.
Identifiers: ClinVar variation 2468180 (VCV002468180.19), dbSNP rs186876252, ClinGen allele CA5146632.